The following is an entry in ClinVar:

ClinVar aggregate classification (germline): Uncertain significance. Review status: criteria provided, multiple submitters, no conflicts (2 of 4 stars). 2 submissions from 2 submitters: Uncertain significance (2). Last evaluated 2021-11-04.

Allele frequency attached by ClinVar (database versions not stated): ExAC 0.00002; gnomAD exomes 0.00002 and 0.00005; TOPMed 0.00007; gnomAD 0.00009 and 0.00010; ESP Exome Variant Server 0.00015.
gnomAD v4.1: 88 of 1,614,088 alleles (0.0055%); highest among the groups gnomAD compares: Non-Finnish European, 0.0074%; no homozygotes.

Submissions (2):

Labcorp Genetics (formerly Invitae), Labcorp
Classification: Uncertain significance. Last evaluated: 2021-11-04. Review status: criteria provided, single submitter. Criteria: Invitae Variant Classification Sherloc (09022015). Collection method: clinical testing. Allele origin: germline.
Comment: This sequence change replaces phenylalanine, which is neutral and non-polar, with tyrosine, which is neutral and polar, at codon 1873 of the SORL1 protein (p.Phe1873Tyr). This variant is present in population databases (rs368691606, gnomAD 0.007%). This variant has not been reported in the literature in individuals affected with SORL1-related conditions. Algorithms developed to predict the effect of missense changes on protein structure and function are either unavailable or do not agree on the potential impact of this missense change (SIFT: "Deleterious"; PolyPhen-2: "Probably Damaging"; Align-GVGD: "Class C0"). In summary, the available evidence is currently insufficient to determine the role of this variant in disease. Therefore, it has been classified as a Variant of Uncertain Significance.

Ambry Genetics
Classification: Uncertain significance. Last evaluated: 2021-09-15. Review status: criteria provided, single submitter. Criteria: Ambry Variant Classification Scheme 2023. Collection method: clinical testing. Allele origin: germline.

NM_003105.6(SORL1):c.5618T>A (p.Phe1873Tyr)

Gene: SORL1 (sortilin related receptor 1; plus strand). Cytogenetic location: 11q24.1.
Variant type: single nucleotide variant.
Coding change: c.5618T>A on transcript NM_003105.6 (MANE Select); coding-DNA position 5618, T replaced by A.
Protein change: p.Phe1873Tyr; replaces phenylalanine 1873 with tyrosine.
Molecular consequence: missense variant.
Genome position (GRCh38, 1-based): chr11:121,618,787, T>A. VCF-style: chr11-121618787-T-A. GRCh37 (hg19) VCF-style: chr11-121489496-T-A.
Other names: c.5618T>A (NM_003105.5); short protein forms F1873Y.
Identifiers: ClinVar variation 1427512 (VCV001427512.7), dbSNP rs368691606, ClinGen allele CA6330011.